The following is an entry in ClinVar:

ClinVar aggregate classification (germline): Uncertain significance (1 of 4 stars; one submission).

Allele frequency attached by ClinVar (database versions not stated): gnomAD exomes below 0.00001.
gnomAD v4.1: 2 of 1,614,154 alleles (0.00012%); highest among the groups gnomAD compares: Non-Finnish European, 0.000085%; no homozygotes.

Submission:

Labcorp Genetics (formerly Invitae), Labcorp
Classification: Uncertain significance. Last evaluated: 2022-04-03. Review status: criteria provided, single submitter. Criteria: Invitae Variant Classification Sherloc (09022015). Collection method: clinical testing. Allele origin: germline.
Comment: In summary, the available evidence is currently insufficient to determine the role of this variant in disease. Therefore, it has been classified as a Variant of Uncertain Significance. Algorithms developed to predict the effect of missense changes on protein structure and function are either unavailable or do not agree on the potential impact of this missense change (SIFT: "Deleterious"; PolyPhen-2: "Probably Damaging"; Align-GVGD: "Class C0"). This variant has not been reported in the literature in individuals affected with TRRAP-related conditions. This variant is not present in population databases (gnomAD no frequency). This sequence change replaces arginine, which is basic and polar, with histidine, which is basic and polar, at codon 3515 of the TRRAP protein (p.Arg3515His).

NM_001375524.1(TRRAP):c.10673G>A (p.Arg3558His)

Gene: TRRAP (transformation/transcription domain associated protein; plus strand). Cytogenetic location: 7q22.1.
Variant type: single nucleotide variant.
Coding change: c.10673G>A on transcript NM_001375524.1 (MANE Select); coding-DNA position 10673, G replaced by A.
Protein change: p.Arg3558His; replaces arginine 3558 with histidine.
Molecular consequence: missense variant.
Genome position (GRCh38, 1-based): chr7:99,005,268, G>A. VCF-style: chr7-99005268-G-A. GRCh37 (hg19) VCF-style: chr7-98602891-G-A.
Other names: c.10631G>A, p.Arg3544His (NM_001244580.2); c.10544G>A, p.Arg3515His (NM_003496.4); short protein forms R3544H, R3515H, R3558H.
Identifiers: ClinVar variation 2121133 (VCV002121133.4), dbSNP rs2485060197, ClinGen allele CA368338390.